The following is an entry in ClinVar:

NM_001378120.1(MBD5):c.2426C>T (p.Pro809Leu)

Gene: MBD5 (methyl-CpG binding domain protein 5; plus strand). Cytogenetic location: 2q23.1.
Variant type: single nucleotide variant.
Coding change: c.2426C>T on transcript NM_001378120.1 (MANE Select); coding-DNA position 2426, C replaced by T.
Protein change: p.Pro809Leu; replaces proline 809 with leucine.
Molecular consequence: missense variant.
Genome position (GRCh38, 1-based): chr2:148,470,369, C>T. VCF-style: chr2-148470369-C-T. GRCh37 (hg19) VCF-style: chr2-149227938-C-T.
Other names: c.2426C>T, p.Pro809Leu (NM_018328.5); short protein forms P809L.
Identifiers: ClinVar variation 3663341 (VCV003663341.2).

ClinVar aggregate classification (germline): Uncertain significance (1 of 4 stars; one submission).

Conditions:
Intellectual developmental disorder, autosomal dominant 1. Also called: MBD5 Haploinsufficiency; Intellectual disability, autosomal dominant 1. Identifiers: Orphanet 228402, MedGen C1969562, MONDO:0007974, OMIM 156200.

Submission:

Labcorp Genetics (formerly Invitae), Labcorp
Classification: Uncertain significance for Intellectual developmental disorder, autosomal dominant 1. Last evaluated: 2024-08-31. Review status: criteria provided, single submitter. Criteria: Invitae Variant Classification Sherloc (09022015). Collection method: clinical testing. Allele origin: germline.
Comment: This sequence change replaces proline, which is neutral and non-polar, with leucine, which is neutral and non-polar, at codon 809 of the MBD5 protein (p.Pro809Leu). This variant is not present in population databases (gnomAD no frequency). This variant has not been reported in the literature in individuals affected with MBD5-related conditions. Invitae Evidence Modeling of protein sequence and biophysical properties (such as structural, functional, and spatial information, amino acid conservation, physicochemical variation, residue mobility, and thermodynamic stability) indicates that this missense variant is not expected to disrupt MBD5 protein function with a negative predictive value of 80%. In summary, the available evidence is currently insufficient to determine the role of this variant in disease. Therefore, it has been classified as a Variant of Uncertain Significance.